The following is an entry in ClinVar:

NM_182916.3(TRNT1):c.991A>G (p.Lys331Glu)

Gene: TRNT1 (tRNA nucleotidyl transferase 1; plus strand). Cytogenetic location: 3p26.2.
Variant type: single nucleotide variant.
Coding change: c.991A>G on transcript NM_182916.3 (MANE Select); coding-DNA position 991, A replaced by G.
Protein change: p.Lys331Glu; replaces lysine 331 with glutamic acid.
Molecular consequence: missense variant. On other transcripts: non-coding transcript variant (8).
Genome position (GRCh38, 1-based): chr3:3,147,638, A>G. VCF-style: chr3-3147638-A-G. GRCh37 (hg19) VCF-style: chr3-3189322-A-G.
Other names: c.931A>G, p.Lys311Glu (NM_001302946.2); c.991A>G, p.Lys331Glu (NM_001367321.1, NM_001367322.1, NM_001367323.1); short protein forms K311E, K331E.
Identifiers: ClinVar variation 2577555 (VCV002577555.3), dbSNP rs769261859, ClinGen allele CA2228838.

ClinVar aggregate classification (germline): Uncertain significance. Review status: criteria provided, multiple submitters, no conflicts (2 of 4 stars). 2 submissions from 2 submitters: Uncertain significance (2). Last evaluated 2024-10-08.

Conditions:
Congenital sideroblastic anemia-B-cell immunodeficiency-periodic fever-developmental delay syndrome. Also called: Sideroblastic anemia with B-cell immunodeficiency, periodic fevers, and developmental delay. Identifiers: Orphanet 369861, MedGen C4015172, MONDO:0014487, OMIM 616084.

Allele frequency attached by ClinVar (database versions not stated): gnomAD 0.00001; gnomAD exomes 0.00001; TOPMed 0.00001; ExAC 0.00002.
gnomAD v4.1: 13 of 1,613,730 alleles (0.00081%); highest among the groups gnomAD compares: Non-Finnish European, 0.001%; no homozygotes.

Submissions (2):

Labcorp Genetics (formerly Invitae), Labcorp
Classification: Uncertain significance for Congenital sideroblastic anemia-B-cell immunodeficiency-periodic fever-developmental delay syndrome. Last evaluated: 2024-10-08. Review status: criteria provided, single submitter. Criteria: Invitae Variant Classification Sherloc (09022015). Collection method: clinical testing. Allele origin: germline.
Comment: This sequence change replaces lysine, which is basic and polar, with glutamic acid, which is acidic and polar, at codon 331 of the TRNT1 protein (p.Lys331Glu). This variant is present in population databases (rs769261859, gnomAD 0.003%). This variant has not been reported in the literature in individuals affected with TRNT1-related conditions. ClinVar contains an entry for this variant (Variation ID: 2577555). Invitae Evidence Modeling of protein sequence and biophysical properties (such as structural, functional, and spatial information, amino acid conservation, physicochemical variation, residue mobility, and thermodynamic stability) indicates that this missense variant is not expected to disrupt TRNT1 protein function with a negative predictive value of 80%. In summary, the available evidence is currently insufficient to determine the role of this variant in disease. Therefore, it has been classified as a Variant of Uncertain Significance.

GeneDx
Classification: Uncertain significance. Last evaluated: 2023-02-24. Review status: criteria provided, single submitter. Criteria: GeneDx Variant Classification Process June 2021. Collection method: clinical testing. Allele origin: germline. Affected: yes.
Comment: Not observed at significant frequency in large population cohorts (gnomAD); In silico analysis supports that this missense variant does not alter protein structure/function; Has not been previously published as pathogenic or benign to our knowledge